The following is an entry in ClinVar:

NM_001110556.2(FLNA):c.2949G>A (p.Val983=)

Gene: FLNA (filamin A; minus strand). Cytogenetic location: Xq28.
Variant type: single nucleotide variant.
Coding change: c.2949G>A on transcript NM_001110556.2 (MANE Select); coding-DNA position 2949, G replaced by A.
Protein change: p.Val983=; no amino-acid change (valine 983 retained).
Molecular consequence: synonymous variant.
Genome position (GRCh38, 1-based): chrX:154,361,566, C>T on the plus strand (G>A on the coding strand, the complement: FLNA is on the minus strand). VCF-style: chrX-154361566-C-T. GRCh37 (hg19) VCF-style: chrX-153589934-C-T.
Other names: c.2949G>A, p.Val983= (NM_001456.4).
Identifiers: ClinVar variation 2198606 (VCV002198606.4), dbSNP rs2067711718, ClinGen allele CA519708375.

ClinVar aggregate classification (germline): Uncertain significance (1 of 4 stars; one submission).

Conditions:
Oto-palato-digital syndrome, type II (OPD2). Also called: FACIOPALATOOSSEOUS SYNDROME; OPD II SYNDROME; Otopalatodigital Syndrome, Type II; Otopalatodigital Syndrome Type 2 (FLNA-OPD2). Identifiers: Orphanet 669, Orphanet 90652, MedGen C1844696, MONDO:0010571, OMIM 304120.
Frontometaphyseal dysplasia (FMD1). Identifiers: Orphanet 1826, MedGen C0265293, MONDO:0015942.
Melnick-Needles syndrome (MNS). Also called: MELNICK-NEEDLES OSTEODYSPLASTY; OSTEODYSPLASTY OF MELNICK AND NEEDLES; Melnick-Needles Syndrome (FLNA-MNS). Identifiers: Orphanet 2484, MedGen C0025237, MONDO:0010650, OMIM 309350.
Heterotopia, periventricular, X-linked dominant (PVNH1). Also called: PERIVENTRICULAR NODULAR HETEROTOPIA 4; HETEROTOPIA, PERIVENTRICULAR, 1; PERIVENTRICULAR NODULAR HETEROTOPIA 1; X-linked periventricular heterotopia. Identifiers: Orphanet 2149, Orphanet 82004, MedGen C1848213, MONDO:0010233, OMIM 300049.

Allele frequency attached by ClinVar (database versions not stated): TOPMed below 0.00001.

Submission:

Labcorp Genetics (formerly Invitae), Labcorp
Classification: Uncertain significance for Oto-palato-digital syndrome, type II; Heterotopia, periventricular, X-linked dominant; Frontometaphyseal dysplasia; Melnick-Needles syndrome. Last evaluated: 2022-08-10. Review status: criteria provided, single submitter. Criteria: Invitae Variant Classification Sherloc (09022015). Collection method: clinical testing. Allele origin: germline.
Comment: This sequence change affects codon 983 of the FLNA mRNA. It is a 'silent' change, meaning that it does not change the encoded amino acid sequence of the FLNA protein. This variant is not present in population databases (gnomAD no frequency). This variant has not been reported in the literature in individuals affected with FLNA-related conditions. Algorithms developed to predict the effect of sequence changes on RNA splicing suggest that this variant may create or strengthen a splice site. In summary, the available evidence is currently insufficient to determine the role of this variant in disease. Therefore, it has been classified as a Variant of Uncertain Significance.